The following is an entry in ClinVar:

ClinVar aggregate classification (germline): Uncertain significance. Review status: criteria provided, multiple submitters, no conflicts (2 of 4 stars). 2 submissions from 2 submitters: Uncertain significance (2). Last evaluated 2025-10-25.

Conditions:
Inborn genetic diseases. Identifiers: MedGen C0950123, MeSH D030342.
Methylmalonic aciduria and homocystinuria type cblD (MAHCD). Also called: Methylmalonic aciduria with homocystinuria cblD type; METHYLMALONIC ACIDEMIA, cblH TYPE. Identifiers: Orphanet 622, Orphanet 79283, MedGen C1848552, MONDO:0010185, OMIM 277410.

Allele frequency attached by ClinVar (database versions not stated): ExAC 0.00001; gnomAD exomes 0.00001; gnomAD 0.00003; TOPMed 0.00003; ESP Exome Variant Server 0.00015.
gnomAD v4.1: 16 of 1,613,674 alleles (0.00099%); highest among the groups gnomAD compares: Non-Finnish European, 0.0013%; no homozygotes.

Submissions (2):

Ambry Genetics
Classification: Uncertain significance for Inborn genetic diseases. Last evaluated: 2025-10-25. Review status: criteria provided, single submitter. Criteria: Ambry Variant Classification Scheme 2023. Collection method: clinical testing. Allele origin: germline.

Labcorp Genetics (formerly Invitae), Labcorp
Classification: Uncertain significance for Methylmalonic aciduria and homocystinuria type cblD. Last evaluated: 2022-03-29. Review status: criteria provided, single submitter. Criteria: Invitae Variant Classification Sherloc (09022015). Collection method: clinical testing. Allele origin: germline.
Comment: This sequence change replaces isoleucine, which is neutral and non-polar, with valine, which is neutral and non-polar, at codon 279 of the MMADHC protein (p.Ile279Val). This variant is present in population databases (rs369492791, gnomAD 0.003%). This variant has not been reported in the literature in individuals affected with MMADHC-related conditions. Algorithms developed to predict the effect of missense changes on protein structure and function (SIFT, PolyPhen-2, Align-GVGD) all suggest that this variant is likely to be tolerated. In summary, the available evidence is currently insufficient to determine the role of this variant in disease. Therefore, it has been classified as a Variant of Uncertain Significance.

NM_015702.3(MMADHC):c.835A>G (p.Ile279Val)

Gene: MMADHC (metabolism of cobalamin associated D; minus strand). Cytogenetic location: 2q23.2.
Variant type: single nucleotide variant.
Coding change: c.835A>G on transcript NM_015702.3 (MANE Select); coding-DNA position 835, A replaced by G.
Protein change: p.Ile279Val; replaces isoleucine 279 with valine.
Molecular consequence: missense variant.
Genome position (GRCh38, 1-based): chr2:149,570,030, T>C on the plus strand (A>G on the coding strand, the complement: MMADHC is on the minus strand). VCF-style: chr2-149570030-T-C. GRCh37 (hg19) VCF-style: chr2-150426544-T-C.
Other names: c.835A>G (NM_015702.2); short protein forms I279V.
Identifiers: ClinVar variation 2194387 (VCV002194387.2), dbSNP rs369492791, ClinGen allele CA1902253.